The following is an entry in ClinVar:

ClinVar aggregate classification (germline): Uncertain significance (1 of 4 stars; one submission).

Conditions:
Hereditary spastic paraplegia 3A (SPG3A). Also called: SPASTIC PARAPLEGIA 3, AUTOSOMAL DOMINANT; FAMILIAL SPASTIC PARAPLEGIA, AUTOSOMAL DOMINANT, 1; SPG3; STRUMPELL DISEASE; Spastic Paraplegia 3A; Spastic paraplegia 3A, autosomal dominant. Identifiers: Orphanet 100984, MedGen C2931355, MONDO:0008437, OMIM 182600.

Submission:

Labcorp Genetics (formerly Invitae), Labcorp
Classification: Uncertain significance for Hereditary spastic paraplegia 3A. Last evaluated: 2015-06-18. Review status: criteria provided, single submitter. Criteria: Invitae Variant Classification Sherloc (09022015). Collection method: clinical testing. Allele origin: germline.
Comment: A gross duplication of the genomic region encompassing the full coding sequence of the ATL1 gene has been identified. This duplication extends to both edges of the assayed region, and the 5' and 3' boundaries of this event are not known. This variant has not been published in the literature and is not present in population databases. In summary, this is a novel whole gene duplication with uncertain impact on protein function. It has been classified as a Variant of Uncertain Significance.

NC_000014.8:g.(?_51026974)_(51099067_?)dup

Gene: ATL1 (atlastin GTPase 1; plus strand). Cytogenetic location: 14q22.1.
Variant type: Duplication.
Identifiers: ClinVar variation 1004276 (VCV001004276.1).